The following is an entry in ClinVar:

ClinVar aggregate classification (germline): Uncertain significance. Review status: criteria provided, multiple submitters, no conflicts (2 of 4 stars). 2 submissions from 2 submitters: Uncertain significance (2). Last evaluated 2026-02-04.

gnomAD v4.1: 6 of 1,612,744 alleles (0.00037%); highest among the groups gnomAD compares: Admixed American, 0.005%; no homozygotes.

Submissions (2):

Women's Health and Genetics/Laboratory Corporation of America, LabCorp
Classification: Uncertain significance. Last evaluated: 2026-02-04. Review status: criteria provided, single submitter. Criteria: LabCorp Variant Classification Summary - May 2015. Collection method: clinical testing. Allele origin: germline.
Comment: Variant summary: LRP5 c.3598G>A (p.Gly1200Ser) results in a non-conservative amino acid change in the encoded protein sequence. Algorithms developed to predict the effect of missense changes on protein structure and function are either unavailable or do not agree on the potential impact of this missense change. The variant allele was found at a frequency of 1.6e-05 in 249714 control chromosomes. The available data on variant occurrences in the general population are insufficient to allow any conclusion about variant significance. To our knowledge, no occurrence of c.3598G>A in individuals affected with LRP5-related conditions and no experimental evidence demonstrating its impact on protein function have been reported. ClinVar contains an entry for this variant (Variation ID: 3694713). Based on the evidence outlined above, the variant was classified as uncertain significance.

Labcorp Genetics (formerly Invitae), Labcorp
Classification: Uncertain significance. Last evaluated: 2025-07-15. Review status: criteria provided, single submitter. Criteria: Invitae Variant Classification Sherloc (09022015). Collection method: clinical testing. Allele origin: germline.
Comment: This sequence change replaces glycine, which is neutral and non-polar, with serine, which is neutral and polar, at codon 1200 of the LRP5 protein (p.Gly1200Ser). This variant is present in population databases (rs749679949, gnomAD 0.009%). This variant has not been reported in the literature in individuals affected with LRP5-related conditions. ClinVar contains an entry for this variant (Variation ID: 3694713). Invitae Evidence Modeling of protein sequence and biophysical properties (such as structural, functional, and spatial information, amino acid conservation, physicochemical variation, residue mobility, and thermodynamic stability) indicates that this missense variant is not expected to disrupt LRP5 protein function with a negative predictive value of 95%. In summary, the available evidence is currently insufficient to determine the role of this variant in disease. Therefore, it has been classified as a Variant of Uncertain Significance.

NM_002335.4(LRP5):c.3598G>A (p.Gly1200Ser)

Gene: LRP5 (LDL receptor related protein 5; plus strand). Cytogenetic location: 11q13.2.
Variant type: single nucleotide variant.
Coding change: c.3598G>A on transcript NM_002335.4 (MANE Select); coding-DNA position 3598, G replaced by A.
Protein change: p.Gly1200Ser; replaces glycine 1200 with serine.
Molecular consequence: missense variant.
Genome position (GRCh38, 1-based): chr11:68,426,148, G>A. VCF-style: chr11-68426148-G-A. GRCh37 (hg19) VCF-style: chr11-68193616-G-A.
Other names: c.1855G>A, p.Gly619Ser (NM_001291902.2); short protein forms G619S, G1200S.
Identifiers: ClinVar variation 3694713 (VCV003694713.3).